The following is an entry in ClinVar:

ClinVar aggregate classification (germline): Likely pathogenic (1 of 4 stars; one submission).

Conditions:
Cataract 9 multiple types. Also called: Cataract 9, multiple types, with or without microcornea; Cataract, autosomal recessive congenital 1. Identifiers: Orphanet 1377, MedGen C1858679, MONDO:0011413, OMIM 604219.

Submission:

Molecular Medicine Center, Medical University of Sofia
Classification: Likely pathogenic for Cataract 9 multiple types. Last evaluated: 2025-02-07. Review status: criteria provided, single submitter. Criteria: ACMG Guidelines, 2015. Collection method: research. Allele origin: germline. Affected: yes.
Comment: This variant was found to co-segregate with congenital cataracts, macular dystrophy, myopia, nystagmus, optic nerve atrophy and secondary glaucoma. Variant is classified as likely pathogenic according to the ACMG criteria: PM2, PM1, PM5, PP3, PP1.

NM_000394.4(CRYAA):c.347G>T (p.Arg116Leu)

Gene: CRYAA (crystallin alpha A; plus strand). Cytogenetic location: 21q22.3.
Variant type: single nucleotide variant.
Coding change: c.347G>T on transcript NM_000394.4 (MANE Select); coding-DNA position 347, G replaced by T.
Protein change: p.Arg116Leu; replaces arginine 116 with leucine.
Molecular consequence: missense variant.
Genome position (GRCh38, 1-based): chr21:43,172,105, G>T. VCF-style: chr21-43172105-G-T. GRCh37 (hg19) VCF-style: chr21-44592215-G-T.
Other names: c.236G>T, p.Arg79Leu (NM_001363766.1); short protein forms R116L, R79L.
Identifiers: ClinVar variation 3731277 (VCV003731277.1).